The following is an entry in ClinVar:

NM_181458.4(PAX3):c.822G>A (p.Trp274Ter)

Gene: PAX3 (paired box 3; minus strand). Cytogenetic location: 2q36.1.
Variant type: single nucleotide variant.
Coding change: c.822G>A on transcript NM_181458.4 (MANE Select); coding-DNA position 822, G replaced by A.
Protein change: p.Trp274Ter; replaces tryptophan 274 with a stop codon.
Molecular consequence: nonsense.
Genome position (GRCh38, 1-based): chr2:222,221,358, C>T on the plus strand (G>A on the coding strand, the complement: PAX3 is on the minus strand). VCF-style: chr2-222221358-C-T. GRCh37 (hg19) VCF-style: chr2-223086077-C-T.
Other names: c.819G>A, p.Trp273Ter (NM_001127366.3); c.822G>A, p.Trp274Ter (NM_181457.4, NM_181459.4, NM_181460.4 and 1 more transcripts); short protein forms W273*, W274*.
Identifiers: ClinVar variation 3601595 (VCV003601595.1).
Genomic context (GRCh38, chr2:222,221,358, plus strand): 5'-GAACCCCCCGGGAATGAGATGGTTGAAAGCCATCAGTTGATTGGCCCCAGCTTGCTTCCT[C>T]CATCTTGCACGGCGGTTGCTAAACCAGACCTATGGATTTAATTTAAAATTTAAGGATTTC-3'

ClinVar aggregate classification (germline): Pathogenic (1 of 4 stars; one submission).

Conditions:
Waardenburg syndrome type 1 (WS1). Also called: WAARDENBURG SYNDROME WITH DYSTOPIA CANTHORUM; Waardenburg Syndrome Type I. Identifiers: Orphanet 894, MedGen C1847800, MONDO:0008670, OMIM 193500.

Submission:

Institute of Rare Diseases, West China Hospital, Sichuan University
Classification: Pathogenic for Waardenburg syndrome type 1. Last evaluated: 2025-01-09. Review status: criteria provided, single submitter. Criteria: ClinGen HL ACMG Specifications v1. Collection method: research. Allele origin: germline. Affected: yes.
Comment: PM1;PVS1;PP4;PM2_Supporting;PS1